The following is an entry in ClinVar:

ClinVar aggregate classification (germline): Uncertain significance (1 of 4 stars; one submission).

Conditions:
Eichsfeld type congenital muscular dystrophy (CMYO3). Also called: MYOPATHY, SEPN1-RELATED; Rigid spine muscular dystrophy 1; SELENON-related myopathy; Congenital myopathy 3 with rigid spine. Identifiers: MedGen C0410180, MONDO:0100100, OMIM 602771.

gnomAD v4.1: 5 of 1,613,280 alleles (0.00031%); highest among the groups gnomAD compares: East Asian, 0.0022%; no homozygotes.

Submission:

Labcorp Genetics (formerly Invitae), Labcorp
Classification: Uncertain significance for Eichsfeld type congenital muscular dystrophy. Last evaluated: 2025-07-07. Review status: criteria provided, single submitter. Criteria: Invitae Variant Classification Sherloc (09022015). Collection method: clinical testing. Allele origin: germline.
Comment: This sequence change replaces alanine, which is neutral and non-polar, with threonine, which is neutral and polar, at codon 455 of the SELENON protein (p.Ala455Thr). This variant is not present in population databases (gnomAD no frequency). This variant has not been reported in the literature in individuals affected with SELENON-related conditions. An algorithm developed to predict the effect of missense changes on protein structure and function (PolyPhen-2) suggests that this variant is likely to be tolerated. In summary, the available evidence is currently insufficient to determine the role of this variant in disease. Therefore, it has been classified as a Variant of Uncertain Significance.

NM_206926.2(SELENON):c.1261G>A (p.Ala421Thr)

Gene: SELENON (selenoprotein N; plus strand). Cytogenetic location: 1p36.11.
Variant type: single nucleotide variant.
Coding change: c.1261G>A on transcript NM_206926.2 (MANE Select); coding-DNA position 1261, G replaced by A.
Protein change: p.Ala421Thr; replaces alanine 421 with threonine.
Molecular consequence: missense variant.
Genome position (GRCh38, 1-based): chr1:25,812,768, G>A. VCF-style: chr1-25812768-G-A. GRCh37 (hg19) VCF-style: chr1-26139259-G-A.
Other names: c.1363G>A, p.Ala455Thr (NM_020451.3); short protein forms A421T, A455T.
Identifiers: ClinVar variation 4768472 (VCV004768472.1).